The following is an entry in ClinVar:

NM_003126.4(SPTA1):c.7082T>C (p.Phe2361Ser)

Gene: SPTA1 (spectrin alpha, erythrocytic 1; minus strand). Cytogenetic location: 1q23.1.
Variant type: single nucleotide variant.
Coding change: c.7082T>C on transcript NM_003126.4 (MANE Select); coding-DNA position 7082, T replaced by C.
Protein change: p.Phe2361Ser; replaces phenylalanine 2361 with serine.
Molecular consequence: missense variant.
Genome position (GRCh38, 1-based): chr1:158,612,869, A>G on the plus strand (T>C on the coding strand, the complement: SPTA1 is on the minus strand). VCF-style: chr1-158612869-A-G. GRCh37 (hg19) VCF-style: chr1-158582659-A-G.
Other names: short protein forms F2361S.
Identifiers: ClinVar variation 4074728 (VCV004074728.2).

ClinVar aggregate classification (germline): Uncertain significance. Review status: criteria provided, multiple submitters, no conflicts (2 of 4 stars). 2 submissions from 2 submitters: Uncertain significance (2). Last evaluated 2025-06-04.

Conditions:
Elliptocytosis 2 (EL2). Also called: ELLIPTOCYTOSIS, RHESUS-UNLINKED TYPE. Identifiers: Orphanet 288, MedGen C1851741, MONDO:0007533, OMIM 130600.

Submissions (2):

Institute of Immunology and Genetics Kaiserslautern
Classification: Uncertain significance for Elliptocytosis 2. Last evaluated: 2025-06-04. Review status: criteria provided, single submitter. Criteria: ACMG Guidelines, 2015. Collection method: clinical testing. Allele origin: germline. Affected: yes.
Comment: ACMG Criteria: PM2, PP3, PP4; Variant was found in heterozygous state.

Labcorp Genetics (formerly Invitae), Labcorp
Classification: Uncertain significance. Last evaluated: 2025-03-16. Review status: criteria provided, single submitter. Criteria: Invitae Variant Classification Sherloc (09022015). Collection method: clinical testing. Allele origin: germline.
Comment: This sequence change replaces phenylalanine, which is neutral and non-polar, with serine, which is neutral and polar, at codon 2361 of the SPTA1 protein (p.Phe2361Ser). This variant is not present in population databases (gnomAD no frequency). This missense change has been observed in individual(s) with autosomal dominant spherocytosis (PMID: 38069343). Invitae Evidence Modeling of protein sequence and biophysical properties (such as structural, functional, and spatial information, amino acid conservation, physicochemical variation, residue mobility, and thermodynamic stability) indicates that this missense variant is expected to disrupt SPTA1 protein function with a positive predictive value of 80%. In summary, the available evidence is currently insufficient to determine the role of this variant in disease. Therefore, it has been classified as a Variant of Uncertain Significance.

Literature cited by the submitters: PubMed 38069343 (cited by Labcorp Genetics (formerly Invitae), Labcorp).